The following is an entry in ClinVar:

ClinVar aggregate classification (germline): Uncertain significance. Review status: criteria provided, single submitter (1 of 4 stars). 2 submissions from 2 submitters: Uncertain significance (1). 1 of the submissions does not count toward it. Last evaluated 2025-12-03.

Conditions:
Inborn genetic diseases. Identifiers: MedGen C0950123, MeSH D030342.

Allele frequency attached by ClinVar (database versions not stated): TOPMed below 0.00001; gnomAD 0.00001; gnomAD exomes below 0.00001.
gnomAD v4.1: 2 of 1,613,808 alleles (0.00012%); highest among the groups gnomAD compares: African/African-American, 0.0013%; no homozygotes.

Submissions (2):

Ambry Genetics
Classification: Uncertain significance for Inborn genetic diseases. Last evaluated: 2025-12-03. Review status: criteria provided, single submitter. Criteria: Ambry Variant Classification Scheme 2023. Collection method: clinical testing. Allele origin: germline.

ITMI
No classification provided. Condition: AllHighlyPenetrant. Last evaluated: 2013-09-19. Review status: no classification provided. Collection method: reference population. Allele origin: germline. Not counted in ClinVar's aggregate classification.
Comment: Please see associated publication for description of ethnicities

Literature cited by the submitters: PubMed 24728327 (cited by ITMI).

NM_014159.7(SETD2):c.2632G>C (p.Gly878Arg)

Gene: SETD2 (SET domain containing 2, histone lysine methyltransferase; minus strand). Cytogenetic location: 3p21.31.
Variant type: single nucleotide variant.
Coding change: c.2632G>C on transcript NM_014159.7 (MANE Select); coding-DNA position 2632, G replaced by C.
Protein change: p.Gly878Arg; replaces glycine 878 with arginine.
Molecular consequence: missense variant. On other transcripts: non-coding transcript variant (1).
Genome position (GRCh38, 1-based): chr3:47,122,004, C>G on the plus strand (G>C on the coding strand, the complement: SETD2 is on the minus strand). VCF-style: chr3-47122004-C-G. GRCh37 (hg19) VCF-style: chr3-47163494-C-G.
Other names: c.2632G>C (NM_014159.6); c.2500G>C, p.Gly834Arg (NM_001349370.3); short protein forms G878R, G834R.
Identifiers: ClinVar variation 135229 (VCV000135229.2), dbSNP rs587778671, ClinGen allele CA162080.